The following is an entry in ClinVar:

NM_001370785.2(LRRC7):c.551A>G (p.Asn184Ser)

Gene: LRRC7 (leucine rich repeat containing 7; plus strand). Cytogenetic location: 1p31.1.
Variant type: single nucleotide variant.
Coding change: c.551A>G on transcript NM_001370785.2 (MANE Select); coding-DNA position 551, A replaced by G.
Protein change: p.Asn184Ser; replaces asparagine 184 with serine.
Molecular consequence: missense variant.
Genome position (GRCh38, 1-based): chr1:69,834,830, A>G. VCF-style: chr1-69834830-A-G. GRCh37 (hg19) VCF-style: chr1-70300513-A-G.
Other names: NM_020794.2:c.437A>G; c.452A>G, p.Asn151Ser (NM_001330635.3, NM_001366837.3, NM_001366839.3 and 1 more transcripts); c.554A>G, p.Asn185Ser (NM_001350216.3, NM_001366840.1); c.551A>G, p.Asn184Ser (NM_001366836.3, NM_001366838.3); c.608A>G, p.Asn203Ser (NM_001366842.1); short protein forms N151S, N184S, N185S, N203S.
Identifiers: ClinVar variation 4975669 (VCV004975669.1).

ClinVar aggregate classification (germline): Uncertain significance (1 of 4 stars; one submission).

Submission:

GeneDx
Classification: Uncertain significance. Last evaluated: 2026-01-25. Review status: criteria provided, single submitter. Criteria: GeneDx Variant Classification Process June 2021. Collection method: clinical testing. Allele origin: germline.
Comment: Has not been previously published as pathogenic or benign to our knowledge; Not observed at significant frequency in large population cohorts (gnomAD); In silico analysis supports that this missense variant has a deleterious effect on protein structure/function